The following is an entry in ClinVar:

ClinVar aggregate classification (germline): Uncertain significance (1 of 4 stars; one submission).

gnomAD v4.1: 5 of 1,551,510 alleles (0.00032%); highest among the groups gnomAD compares: East Asian, 0.0049%; no homozygotes.

Submission:

Labcorp Genetics (formerly Invitae), Labcorp
Classification: Uncertain significance. Last evaluated: 2021-12-02. Review status: criteria provided, single submitter. Criteria: Invitae Variant Classification Sherloc (09022015). Collection method: clinical testing. Allele origin: germline.
Comment: In summary, the available evidence is currently insufficient to determine the role of this variant in disease. Therefore, it has been classified as a Variant of Uncertain Significance. Algorithms developed to predict the effect of missense changes on protein structure and function are either unavailable or do not agree on the potential impact of this missense change (SIFT: "Deleterious"; PolyPhen-2: "Possibly Damaging"; Align-GVGD: "Class C0"). This variant has not been reported in the literature in individuals affected with NDUFA11-related conditions. This variant is present in population databases (no rsID available, gnomAD 0.02%). This sequence change replaces aspartic acid, which is acidic and polar, with alanine, which is neutral and non-polar, at codon 11 of the NDUFA11 protein (p.Asp11Ala).

NM_175614.5(NDUFA11):c.32A>C (p.Asp11Ala)

Genes: NDUFA11 (NADH:ubiquinone oxidoreductase subunit A11; minus strand), LOC112552175 (Sharpr-MPRA regulatory region 9916; plus strand). Cytogenetic location: 19p13.3.
Variant type: single nucleotide variant.
Coding change: c.32A>C on transcript NM_175614.5 (MANE Select); coding-DNA position 32, A replaced by C.
Protein change: p.Asp11Ala; replaces aspartic acid 11 with alanine.
Molecular consequence: missense variant. On other transcripts: non-coding transcript variant (1).
Genome position (GRCh38, 1-based): chr19:5,903,677, T>G on the plus strand (A>C on the coding strand, the complement: NDUFA11 is on the minus strand). VCF-style: chr19-5903677-T-G. GRCh37 (hg19) VCF-style: chr19-5903688-T-G.
Other names: c.32A>C, p.Asp11Ala (NM_001193375.3); short protein forms D11A.
Identifiers: ClinVar variation 1431351 (VCV001431351.6), dbSNP rs1160825293, ClinGen allele CA403545580.
Genomic context (GRCh38, chr19:5,903,677, plus strand): 5'-ACGCTGGCAATACTGGTGGTGCTGTAGGCTTTGCGGTGGCAATCGGTGCCATCGGGGATA[T>G]CCCAGTACTGACGAAAAACCTTCGGCGCCATAGCCCGCAATCTCGATCCCGCACCACGGA-3'
Protein context (NP_783313.1, residues 1-21): MAPKVFRQYW[Asp11Ala]IPDGTDCHRK